The following is an entry in ClinVar:

ClinVar aggregate classification (germline): Uncertain significance. Review status: criteria provided, multiple submitters, no conflicts (2 of 4 stars). 4 submissions from 4 submitters: Uncertain significance (4). Last evaluated 2026-04-21.

Conditions:
PKD1-related disorder. Also called: PKD1-related condition.
Polycystic kidney disease, adult type (PKD1). Also called: Polycystic Kidney Disease 1, Autosomal Dominant; Polycystic kidney disease 1; Polycystic kidney disease 1, severe; POLYCYSTIC KIDNEY DISEASE, ADULT, TYPE I; POLYCYSTIC KIDNEY DISEASE 1 WITH OR WITHOUT POLYCYSTIC LIVER DISEASE; Polycystic Kidney, Autosomal Dominant. Identifiers: MedGen C3149841, MONDO:0008263, OMIM 173900.

Allele frequency attached by ClinVar (database versions not stated): TOPMed 0.00001; gnomAD exomes 0.00002; gnomAD 0.00003; ExAC 0.00011; 1000 Genomes Project 30x 0.00016.
gnomAD v4.1: 21 of 998,916 alleles (0.0021%); highest among the groups gnomAD compares: East Asian, 0.016%; no homozygotes.

Submissions (4):

PreventionGenetics, part of Exact Sciences
Classification: Uncertain significance for PKD1-related condition. Last evaluated: 2026-04-21. Review status: criteria provided, single submitter. Criteria: ACMG Guidelines, 2015. Collection method: clinical testing. Allele origin: germline.
Comment: The PKD1 c.2222C>T variant is predicted to result in the amino acid substitution p.Pro741Leu. To our knowledge, this variant has not been reported in the literature. This variant is reported in 0.019% of alleles in individuals of East Asian descent in gnomAD, including >20 heterozygotes in the newest version of the database (v4.1), which may be too frequent to be a primary cause of disease. Although we suspect that this variant may be benign, at this time, the clinical significance of this variant is uncertain due to the absence of conclusive functional and genetic evidence.

Fulgent Genetics
Classification: Uncertain significance for Polycystic kidney disease, adult type. Last evaluated: 2024-03-25. Review status: criteria provided, single submitter. Criteria: ACMG Guidelines, 2015. Collection method: clinical testing. Allele origin: germline.

Mayo Clinic Laboratories, Mayo Clinic
Classification: Uncertain significance. Last evaluated: 2023-05-10. Review status: criteria provided, single submitter. Criteria: ACMG Guidelines, 2015. Collection method: clinical testing. Allele origin: germline. Observed: 1 variant allele.
Comment: BP4

Department of Pathology and Laboratory Medicine, Sinai Health System
Classification: Uncertain significance for Polycystic kidney disease, adult type. Last evaluated: 2021-12-15. Review status: criteria provided, single submitter. Criteria: ACMG Guidelines, 2015. Collection method: clinical testing. Allele origin: germline.

NM_001009944.3(PKD1):c.2222C>T (p.Pro741Leu)

Gene: PKD1 (polycystin 1, transient receptor potential channel interacting; minus strand). Cytogenetic location: 16p13.3.
Variant type: single nucleotide variant.
Coding change: c.2222C>T on transcript NM_001009944.3 (MANE Select); coding-DNA position 2222, C replaced by T.
Protein change: p.Pro741Leu; replaces proline 741 with leucine.
Molecular consequence: missense variant.
Genome position (GRCh38, 1-based): chr16:2,114,801, G>A on the plus strand (C>T on the coding strand, the complement: PKD1 is on the minus strand). VCF-style: chr16-2114801-G-A. GRCh37 (hg19) VCF-style: chr16-2164802-G-A.
Other names: p.Pro741Leu; c.2222C>T, p.Pro741Leu (NM_000296.4); short protein forms P741L.
Identifiers: ClinVar variation 2683341 (VCV002683341.4), dbSNP rs779605081, ClinGen allele CA7833254.